The following is an entry in ClinVar:

ClinVar aggregate classification (germline): Pathogenic (1 of 4 stars; one submission).

Conditions:
Neurofibromatosis, type 1 (NF1). Also called: Peripheral type neurofibromatosis; Neurofibromatosis, type I; VON RECKLINGHAUSEN DISEASE; NEUROFIBROMATOSIS, TYPE I, SOMATIC. Identifiers: Orphanet 636, MedGen C0027831, MONDO:0018975, OMIM 162200. Disease mechanism: loss of function.

Submission:

Labcorp Genetics (formerly Invitae), Labcorp
Classification: Pathogenic for Neurofibromatosis, type 1. Last evaluated: 2019-05-04. Review status: criteria provided, single submitter. Criteria: Invitae Variant Classification Sherloc (09022015). Collection method: clinical testing. Allele origin: germline.
Comment: This sequence change creates a premature translational stop signal (p.Asp283Glnfs*5) in the NF1 gene. It is expected to result in an absent or disrupted protein product. This variant is not present in population databases (ExAC no frequency). This variant has not been reported in the literature in individuals with NF1-related conditions. Loss-of-function variants in NF1 are known to be pathogenic (PMID: 10712197, 23913538). For these reasons, this variant has been classified as Pathogenic.

Literature cited by the submitters: PubMed 10712197; PubMed 23913538.

NM_001042492.3(NF1):c.847_854del (p.Asp283fs)

Gene: NF1 (neurofibromin 1; plus strand). Cytogenetic location: 17q11.2.
Variant type: Deletion.
Coding change: c.847_854del on transcript NM_001042492.3 (MANE Select); coding-DNA positions 847 to 854, 8 bases deleted (GATATATC; older notation c.847_854delGATATATC).
Protein change: p.Asp283fs; shifts the reading frame from aspartic acid 283.
Molecular consequence: frameshift variant.
Genome position (GRCh38, 1-based): chr17:31,182,624-31,182,631, GATATATC deleted. VCF-style (leftmost placement, unchanged base first): chr17-31182623-GGATATATC-G. GRCh37 (hg19) VCF-style: chr17-29509641-GGATATATC-G.
Other names: c.847_854delGATATATC, p.Asp283Glnfs (NM_000267.4); c.847_854del, p.Asp283fs (NM_001128147.3); short protein forms D283fs.
Identifiers: ClinVar variation 948854 (VCV000948854.6), dbSNP rs2066158802, ClinGen allele CA1139665362.
Genomic context (GRCh38, chr17:31,182,623, plus strand): 5'-TAAAGCAGCAGTTTGGCCACTACAAATCATTCTCCTTATCTTGTGTCCAGAAATAATCCA[GGATATATC>G]CAAAGACGTGGTTGATGAAAACAACATGAATAAGGTAAGGAGGGCAAAATTATTTCCATT-3'